The following is an entry in ClinVar:

NM_024675.4(PALB2):c.59A>T (p.Lys20Ile)

Gene: PALB2 (partner and localizer of BRCA2; minus strand). Cytogenetic location: 16p12.2.
Variant type: single nucleotide variant.
Coding change: c.59A>T on transcript NM_024675.4 (MANE Select); coding-DNA position 59, A replaced by T.
Protein change: p.Lys20Ile; replaces lysine 20 with isoleucine.
Molecular consequence: missense variant.
Genome position (GRCh38, 1-based): chr16:23,638,119, T>A on the plus strand (A>T on the coding strand, the complement: PALB2 is on the minus strand). VCF-style: chr16-23638119-T-A. GRCh37 (hg19) VCF-style: chr16-23649440-T-A.
Other names: short protein forms K20I.
Identifiers: ClinVar variation 233311 (VCV000233311.6), dbSNP rs876660327, ClinGen allele CA10580055.

ClinVar aggregate classification (germline): Uncertain significance. Review status: criteria provided, multiple submitters, no conflicts (2 of 4 stars). 2 submissions from 2 submitters: Uncertain significance (2). Last evaluated 2025-02-13.

Conditions:
Familial cancer of breast. Also called: BREAST CANCER, FAMILIAL; hereditary breast carcinoma; Hereditary breast cancer. Identifiers: Orphanet 227535, MedGen C0346153, MONDO:0016419, OMIM 114480. Disease mechanism: loss of function.
Hereditary cancer-predisposing syndrome. Also called: Neoplastic Syndromes, Hereditary; Tumor predisposition; Hereditary Cancer Syndrome; Hereditary neoplastic syndrome. Identifiers: Orphanet 140162, MedGen C0027672, MeSH D009386, MONDO:0015356.

Submissions (2):

Labcorp Genetics (formerly Invitae), Labcorp
Classification: Uncertain significance for Familial cancer of breast. Last evaluated: 2025-02-13. Review status: criteria provided, single submitter. Criteria: Invitae Variant Classification Sherloc (09022015). Collection method: clinical testing. Allele origin: germline.
Comment: This sequence change replaces lysine, which is basic and polar, with isoleucine, which is neutral and non-polar, at codon 20 of the PALB2 protein (p.Lys20Ile). This variant is not present in population databases (gnomAD no frequency). This variant has not been reported in the literature in individuals affected with PALB2-related conditions. ClinVar contains an entry for this variant (Variation ID: 233311). An algorithm developed to predict the effect of missense changes on protein structure and function (PolyPhen-2) suggests that this variant is likely to be disruptive. In summary, the available evidence is currently insufficient to determine the role of this variant in disease. Therefore, it has been classified as a Variant of Uncertain Significance.

Ambry Genetics
Classification: Uncertain significance for Hereditary cancer-predisposing syndrome. Last evaluated: 2015-08-07. Review status: criteria provided, single submitter. Criteria: Ambry Variant Classification Scheme 2023. Collection method: clinical testing. Allele origin: germline.
Comment: The p.K20I variant (also known as c.59A>T), located in coding exon 2 of the PALB2 gene, results from an A to T substitution at nucleotide position 59. The lysine at codon 20 is replaced by isoleucine, an amino acid with dissimilar properties. This variant was not reported in population based cohorts in the following databases: Database of Single Nucleotide Polymorphisms (dbSNP), NHLBI Exome Sequencing Project (ESP), and 1000 Genomes Project. In the ESP, this variant was not observed in 6497 samples (12994 alleles) with coverage at this position. To date, this alteration has been detected with an allele frequency of approximately 0.001% (greater than 70000 alleles tested) in our clinical cohort. This nucleotide position is highly conserved in available vertebrate species. This amino acid position is highly conserved on limited alignment. In addition, the in silico prediction for this alteration is inconclusive. Since supporting evidence is limited at this time, the clinical significance of p.K20I remains unclear.